The following is an entry in ClinVar:

NM_000216.4(ANOS1):c.937A>G (p.Ile313Val)

Gene: ANOS1 (anosmin 1; minus strand). Cytogenetic location: Xp22.31.
Variant type: single nucleotide variant.
Coding change: c.937A>G on transcript NM_000216.4 (MANE Select); coding-DNA position 937, A replaced by G.
Protein change: p.Ile313Val; replaces isoleucine 313 with valine.
Molecular consequence: missense variant.
Genome position (GRCh38, 1-based): chrX:8,570,624, T>C on the plus strand (A>G on the coding strand, the complement: ANOS1 is on the minus strand). VCF-style: chrX-8570624-T-C. GRCh37 (hg19) VCF-style: chrX-8538665-T-C.
Other names: short protein forms I313V.
Identifiers: ClinVar variation 2857065 (VCV002857065.3), dbSNP rs1569051821, ClinGen allele CA411995839.
Genomic context (GRCh38, chrX:8,570,624, plus strand): 5'-TCCAAAAGACCTTGTAATGATGCACAGGGATGTCCGGCTCCTCGGGGAGATCCCAAACTA[T>C]AGTGACGGTCACACTCCCATCACTGTTGACGGTGGAGTTGGCCAGCCGGAGGTTAGCCGG-3'
Protein context (NP_000207.2, residues 303-323): VNSDGSVTVT[Ile313Val]VWDLPEEPDI

ClinVar aggregate classification (germline): Uncertain significance (1 of 4 stars; one submission).

Conditions:
Hypogonadotropic hypogonadism 1 with or without anosmia (HH1). Also called: Kallmann syndrome, type 1, X-linked; DYSPLASIA OLFACTOGENITALIS OF DE MORSIER; HYPOGONADOTROPIC HYPOGONADISM 1 WITH ANOSMIA; KAL1-Related GnRH Deficiency (Kallmann Syndrome 1; Kallmann Syndrome, X-Linked); Hypogonadotropic hypogonadism 1 with or without anosmia (Kallmann syndrome 1); HYPOGONADOTROPIC HYPOGONADISM AND ANOSMIA. Identifiers: Orphanet 478, MedGen C1563719, MONDO:0010635, OMIM 308700. Disease mechanism: loss of function.

Allele frequency attached by ClinVar (database versions not stated): gnomAD exomes below 0.00001.
gnomAD v4.1: 1 of 1,210,749 alleles (0.000083%); highest among the groups gnomAD compares: Non-Finnish European, 0.00011%; no homozygotes.

Submission:

Labcorp Genetics (formerly Invitae), Labcorp
Classification: Uncertain significance for Hypogonadotropic hypogonadism 1 with or without anosmia. Last evaluated: 2023-04-17. Review status: criteria provided, single submitter. Criteria: Invitae Variant Classification Sherloc (09022015). Collection method: clinical testing. Allele origin: germline.
Comment: Advanced modeling of protein sequence and biophysical properties (such as structural, functional, and spatial information, amino acid conservation, physicochemical variation, residue mobility, and thermodynamic stability) performed at Invitae indicates that this missense variant is not expected to disrupt ANOS1 protein function. This variant has not been reported in the literature in individuals affected with ANOS1-related conditions. This variant is not present in population databases (gnomAD no frequency). This sequence change replaces isoleucine, which is neutral and non-polar, with valine, which is neutral and non-polar, at codon 313 of the ANOS1 protein (p.Ile313Val). In summary, the available evidence is currently insufficient to determine the role of this variant in disease. Therefore, it has been classified as a Variant of Uncertain Significance.